The following is an entry in ClinVar:

NM_019098.5(CNGB3):c.797A>G (p.Tyr266Cys)

Gene: CNGB3 (cyclic nucleotide gated channel subunit beta 3; minus strand). Cytogenetic location: 8q21.3.
Variant type: single nucleotide variant.
Coding change: c.797A>G on transcript NM_019098.5 (MANE Select); coding-DNA position 797, A replaced by G.
Protein change: p.Tyr266Cys; replaces tyrosine 266 with cysteine.
Molecular consequence: missense variant.
Genome position (GRCh38, 1-based): chr8:86,666,980, T>C on the plus strand (A>G on the coding strand, the complement: CNGB3 is on the minus strand). VCF-style: chr8-86666980-T-C. GRCh37 (hg19) VCF-style: chr8-87679208-T-C.
Other names: c.797A>G (NM_019098.4); short protein forms Y266C.
Identifiers: ClinVar variation 2168286 (VCV002168286.3), dbSNP rs765866760, ClinGen allele CA4800275.

ClinVar aggregate classification (germline): Conflicting classifications of pathogenicity. Review status: criteria provided, conflicting classifications (1 of 4 stars). 3 submissions from 3 submitters: Uncertain significance (2); Likely benign (1). Last evaluated 2025-11-03.

Conditions:
Inborn genetic diseases. Identifiers: MedGen C0950123, MeSH D030342.

Allele frequency attached by ClinVar (database versions not stated): ExAC 0.00001; TOPMed 0.00001; gnomAD exomes 0.00005.
gnomAD v4.1: 74 of 1,613,582 alleles (0.0046%); highest among the groups gnomAD compares: Non-Finnish European, 0.0061%; no homozygotes.

Submissions (3):

Ambry Genetics
Classification: Likely benign for Inborn genetic diseases. Last evaluated: 2025-11-03. Review status: criteria provided, single submitter. Criteria: Ambry Variant Classification Scheme 2023. Collection method: clinical testing. Allele origin: germline.

Blueprint Genetics
Classification: Uncertain significance. Last evaluated: 2024-10-23. Review status: criteria provided, single submitter. Criteria: ACMG Guidelines, 2015. Collection method: clinical testing. Allele origin: germline.

Labcorp Genetics (formerly Invitae), Labcorp
Classification: Uncertain significance. Last evaluated: 2022-02-21. Review status: criteria provided, single submitter. Criteria: Invitae Variant Classification Sherloc (09022015). Collection method: clinical testing. Allele origin: germline.
Comment: This sequence change replaces tyrosine, which is neutral and polar, with cysteine, which is neutral and slightly polar, at codon 266 of the CNGB3 protein (p.Tyr266Cys). This variant is present in population databases (rs765866760, gnomAD 0.005%). This variant has not been reported in the literature in individuals affected with CNGB3-related conditions. Advanced modeling of protein sequence and biophysical properties (such as structural, functional, and spatial information, amino acid conservation, physicochemical variation, residue mobility, and thermodynamic stability) performed at Invitae indicates that this missense variant is not expected to disrupt CNGB3 protein function. In summary, the available evidence is currently insufficient to determine the role of this variant in disease. Therefore, it has been classified as a Variant of Uncertain Significance.